The following is an entry in ClinVar:

ClinVar aggregate classification (germline): Pathogenic (1 of 4 stars; one submission).

Conditions:
Tuberous sclerosis 2 (TSC2). Identifiers: Orphanet 805, MedGen C1860707, MONDO:0013199, OMIM 613254.

Submission:

Labcorp Genetics (formerly Invitae), Labcorp
Classification: Pathogenic for Tuberous sclerosis 2. Last evaluated: 2018-01-10. Review status: criteria provided, single submitter. Criteria: Invitae Variant Classification Sherloc (09022015). Collection method: clinical testing. Allele origin: germline.
Comment: This variant has been reported in an individual affected with tuberous sclerosis complex (PMID: 28087349). This variant has been reported in individuals in the Leiden Open-source Variation Database (PMID: 21520333). For these reasons, this variant has been classified as Pathogenic. Loss-of-function variants in TSC2 are known to be pathogenic (PMID: 10205261, 17304050). This variant is not present in population databases (ExAC no frequency). This sequence change creates a premature translational stop signal (p.Tyr1333*) in the TSC2 gene. It is expected to result in an absent or disrupted protein product.

Literature cited by the submitters: PubMed 28087349; PubMed 21520333; PubMed 10205261; PubMed 17304050.

NM_000548.5(TSC2):c.3999C>A (p.Tyr1333Ter)

Gene: TSC2 (TSC complex subunit 2; plus strand). Cytogenetic location: 16p13.3.
Variant type: single nucleotide variant.
Coding change: c.3999C>A on transcript NM_000548.5 (MANE Select); coding-DNA position 3999, C replaced by A.
Protein change: p.Tyr1333Ter; replaces tyrosine 1333 with a stop codon.
Molecular consequence: nonsense.
Genome position (GRCh38, 1-based): chr16:2,083,810, C>A. VCF-style: chr16-2083810-C-A. GRCh37 (hg19) VCF-style: chr16-2133811-C-A.
Other names: c.3930C>A, p.Tyr1310Ter (NM_001114382.3); c.3690C>A, p.Tyr1230Ter (NM_001318827.2); c.3654C>A, p.Tyr1218Ter (NM_001318829.2); c.3267C>A, p.Tyr1089Ter (NM_001318831.2); c.3831C>A, p.Tyr1277Ter (NM_001318832.2); c.3801C>A, p.Tyr1267Ter (NM_001363528.2); c.3867C>A, p.Tyr1289Ter (NM_001370404.1); c.3870C>A, p.Tyr1290Ter (NM_001370405.1, NM_021055.3); and 1 more; short protein forms Y1333*, Y1218*, Y1310*, Y1266*, Y1289*, Y1230*, Y1290*, Y1089*.
Identifiers: ClinVar variation 575698 (VCV000575698.8), dbSNP rs775604492, ClinGen allele CA394297796.